The following is an entry in ClinVar:

NM_003072.5(SMARCA4):c.4335G>T (p.Arg1445=)

Gene: SMARCA4 (SWI/SNF related BAF chromatin remodeling complex subunit ATPase 4; plus strand). Cytogenetic location: 19p13.2.
Variant type: single nucleotide variant.
Coding change: c.4335G>T on transcript NM_003072.5 (MANE Select); coding-DNA position 4335, G replaced by T.
Protein change: p.Arg1445=; no amino-acid change (arginine 1445 retained).
Molecular consequence: synonymous variant. On other transcripts: non-coding transcript variant (1).
Genome position (GRCh38, 1-based): chr19:11,041,471, G>T. VCF-style: chr19-11041471-G-T. GRCh37 (hg19) VCF-style: chr19-11152147-G-T.
Other names: c.4335G>T, p.Arg1445= (NM_001128844.3); c.4245G>T, p.Arg1415= (NM_001128845.2, NM_001128846.2); c.4236G>T, p.Arg1412= (NM_001128847.4, NM_001128848.2, NM_001374457.1); c.4431G>T, p.Arg1477= (NM_001128849.3, NM_001387283.1); c.4332G>T, p.Arg1444= (NM_001411150.1).
Identifiers: ClinVar variation 1740562 (VCV001740562.13), dbSNP rs1344036522, ClinGen allele CA505743913.
Genomic context (GRCh38, chr19:11,041,471, plus strand): 5'-CACCAGCACCCGCAGCCGCGACAAGGACGACGAGAGCAAGAAGCAGAAGAAGCGCGGGCG[G>T]CCGCCTGCCGAGAAACTCTCCCCTAACCCACCCAACCTCACCAAGAAGATGAAGAAGATT-3'
Protein context (NP_003063.2, residues 1435-1455): DESKKQKKRG[Arg1445=]PPAEKLSPNP

ClinVar aggregate classification (germline): Benign/Likely benign. Review status: criteria provided, multiple submitters, no conflicts (2 of 4 stars). 4 submissions from 4 submitters: Benign (1); Likely benign (3). Last evaluated 2026-07-22.

Conditions:
Hereditary cancer-predisposing syndrome. Also called: Hereditary neoplastic syndrome; Neoplastic Syndromes, Hereditary; Tumor predisposition; Hereditary Cancer Syndrome. Identifiers: Orphanet 140162, MedGen C0027672, MeSH D009386, MONDO:0015356.
Rhabdoid tumor predisposition syndrome 2 (RTPS2). Identifiers: Orphanet 231108, Orphanet 69077, MedGen C2750074, MONDO:0013224, OMIM 613325.

Submissions (4):

Myriad Genetics, Inc.
Classification: Benign for Rhabdoid tumor predisposition syndrome 2. Last evaluated: 2026-07-22. Review status: criteria provided, single submitter. Criteria: Myriad Autosomal Dominant, Autosomal Recessive and X-Linked Classification Criteria (2023). Collection method: clinical testing. Allele origin: unknown.
Comment: This variant is considered benign. This variant is a silent/synonymous amino acid change and it is not expected to impact splicing.

Labcorp Genetics (formerly Invitae), Labcorp
Classification: Likely benign for Rhabdoid tumor predisposition syndrome 2. Last evaluated: 2025-12-21. Review status: criteria provided, single submitter. Criteria: Invitae Variant Classification Sherloc (09022015). Collection method: clinical testing. Allele origin: germline.

CeGaT Center for Human Genetics Tuebingen
Classification: Likely benign. Last evaluated: 2025-08-01. Review status: criteria provided, single submitter. Criteria: CeGaT Center For Human Genetics Tuebingen Variant Classification Criteria Version 2. Collection method: clinical testing. Allele origin: germline. Affected: yes. Observed: 1 variant allele.
Comment: SMARCA4: BP4, BP7

Ambry Genetics
Classification: Likely benign for Hereditary cancer-predisposing syndrome. Last evaluated: 2022-05-22. Review status: criteria provided, single submitter. Criteria: Ambry Variant Classification Scheme 2023. Collection method: clinical testing. Allele origin: germline.